The following is an entry in ClinVar:

ClinVar aggregate classification (germline): Uncertain significance. Review status: criteria provided, multiple submitters, no conflicts (2 of 4 stars). 2 submissions from 2 submitters: Uncertain significance (2). Last evaluated 2024-10-08.

Conditions:
Isolated microphthalmia 5. Also called: Posterior Microphthalmia with Retinitis Pigmentosa, Foveoschisis, and Optic Disc Drusen. Identifiers: Orphanet 251279, MedGen C1970236, MONDO:0012605, OMIM 611040.

Submissions (2):

Blueprint Genetics
Classification: Uncertain significance. Last evaluated: 2024-10-08. Review status: criteria provided, single submitter. Criteria: ACMG Guidelines, 2015. Collection method: clinical testing. Allele origin: germline.

Labcorp Genetics (formerly Invitae), Labcorp
Classification: Uncertain significance for Isolated microphthalmia 5. Last evaluated: 2022-07-31. Review status: criteria provided, single submitter. Criteria: Invitae Variant Classification Sherloc (09022015). Collection method: clinical testing. Allele origin: germline.
Comment: This variant is not present in population databases (gnomAD no frequency). This sequence change replaces arginine, which is basic and polar, with serine, which is neutral and polar, at codon 201 of the MFRP protein (p.Arg201Ser). This variant has not been reported in the literature in individuals affected with MFRP-related conditions. In summary, the available evidence is currently insufficient to determine the role of this variant in disease. Therefore, it has been classified as a Variant of Uncertain Significance. Algorithms developed to predict the effect of sequence changes on RNA splicing suggest that this variant may create or strengthen a splice site. Algorithms developed to predict the effect of missense changes on protein structure and function are either unavailable or do not agree on the potential impact of this missense change (SIFT: "Tolerated"; PolyPhen-2: "Probably Damaging"; Align-GVGD: "Class C0"). ClinVar contains an entry for this variant (Variation ID: 1392478).

NM_031433.4(MFRP):c.601C>A (p.Arg201Ser)

Genes: C1QTNF5 (C1q and TNF related 5; minus strand), MFRP (membrane frizzled-related protein; minus strand). Cytogenetic location: 11q23.3.
Variant type: single nucleotide variant.
Coding change: c.601C>A on transcript NM_031433.4 (MANE Select); coding-DNA position 601, C replaced by A.
Protein change: p.Arg201Ser; replaces arginine 201 with serine.
Molecular consequence: missense variant. On other transcripts: 5 prime UTR variant (1).
Genome position (GRCh38, 1-based): chr11:119,345,460, G>T on the plus strand (C>A on the coding strand, the complement: MFRP is on the minus strand). VCF-style: chr11-119345460-G-T. GRCh37 (hg19) VCF-style: chr11-119216170-G-T.
Other names: c.-2036C>A (NM_015645.5); short protein forms R201S.
Identifiers: ClinVar variation 1392478 (VCV001392478.7), dbSNP rs750045130, ClinGen allele CA382977992.